The following is an entry in ClinVar:

NM_003743.5(NCOA1):c.1678G>A (p.Val560Ile)

Gene: NCOA1 (nuclear receptor coactivator 1; plus strand). Cytogenetic location: 2p23.3.
Variant type: single nucleotide variant.
Coding change: c.1678G>A on transcript NM_003743.5 (MANE Select); coding-DNA position 1678, G replaced by A.
Protein change: p.Val560Ile; replaces valine 560 with isoleucine.
Molecular consequence: missense variant.
Genome position (GRCh38, 1-based): chr2:24,707,148, G>A. VCF-style: chr2-24707148-G-A. GRCh37 (hg19) VCF-style: chr2-24930017-G-A.
Other names: c.1678G>A, p.Val560Ile (NM_001362950.1, NM_001362952.1, NM_001362954.1 and 3 more transcripts); short protein forms V560I.
Identifiers: ClinVar variation 4980314 (VCV004980314.1).

ClinVar aggregate classification (germline): Uncertain significance (1 of 4 stars; one submission).

Conditions:
NCOA1-related disorder. Also called: NCOA1-related condition.

gnomAD v4.1: 20 of 1,614,042 alleles (0.0012%); highest among the groups gnomAD compares: Non-Finnish European, 0.0014%; no homozygotes.

Submission:

PreventionGenetics, part of Exact Sciences
Classification: Uncertain significance for NCOA1-related condition. Last evaluated: 2025-05-25. Review status: criteria provided, single submitter. Criteria: ACMG Guidelines, 2015. Collection method: clinical testing. Allele origin: germline.
Comment: The NCOA1 c.1678G>A variant is predicted to result in the amino acid substitution p.Val560Ile. To our knowledge, this variant has not been reported in the literature. This variant is reported in 0.00088% of alleles in individuals of European (Non-Finnish) descent in gnomAD. At this time, the clinical significance of this variant is uncertain due to the absence of conclusive functional and genetic evidence.